The following is an entry in ClinVar:

ClinVar aggregate classification (germline): Pathogenic (1 of 4 stars; one submission).

Conditions:
Autosomal dominant nonsyndromic hearing loss 22. Also called: Autosomal dominant nonsyndromic deafness 22; DFNA 22. Identifiers: Orphanet 228012, MedGen C2931767, MONDO:0011660, OMIM 606346.

Submission:

Precision Medicine Center, Zhengzhou University
Classification: Pathogenic for Autosomal dominant nonsyndromic hearing loss 22. Last evaluated: 2006-06-30. Review status: criteria provided, single submitter. Criteria: ClinGen HL ACMG Specifications v1. Collection method: clinical testing. Allele origin: de novo. Affected: yes.
Comment: PVS1+PM2:The MYO6 c.2912_2913del variant is a small in-frame/out-of-frame deletion (depending on transcript annotation) located within the coding region of MYO6. Based on the predicted consequence (as applicable), this variant is expected to disrupt normal protein function, including the possibility of premature truncation or altered protein structure. Given that loss of function is an established disease mechanism for MYO6-related hearing loss, this variant meets the PVS1 criterion. This variant is absent or extremely rare in population databases, including gnomAD, supporting its rarity in the general population (PM2). Based on the ACMG/AMP guidelines, this variant meets the criteria PVS1 and PM2, and is therefore classified as Pathogenic.

Literature cited by the submitters: PubMed 30192042.

NM_004999.4(MYO6):c.2912_2913del (p.Arg971fs)

Gene: MYO6 (myosin VI; plus strand). Cytogenetic location: 6q14.1.
Variant type: Microsatellite.
Coding change: c.2912_2913del on transcript NM_004999.4 (MANE Select); coding-DNA positions 2912 to 2913, 2 bases deleted (GA; older notation c.2912_2913delGA).
Protein change: p.Arg971fs; shifts the reading frame from arginine 971.
Molecular consequence: frameshift variant. On other transcripts: non-coding transcript variant (1).
Genome position (GRCh38, 1-based): chr6:75,891,272-75,891,273, GA deleted; deleting any 2 consecutive bases within chr6:75,891,267-75,891,273 gives the same sequence; the c. name uses the placement nearest the transcript's 3' end. VCF-style (leftmost placement, unchanged base first): chr6-75891266-AAG-A. GRCh37 (hg19) VCF-style: chr6-76600983-AAG-A.
Other names: c.2897_2898del, p.Arg966fs (NM_001368138.1); c.2912_2913del, p.Arg971fs (NM_001368865.1, NM_001368866.1, NM_001300899.2 and 2 more transcripts); short protein forms R966fs, R971fs.
Identifiers: ClinVar variation 4857379 (VCV004857379.1).